The following is an entry in ClinVar:

NM_000051.4(ATM):c.2959T>C (p.Cys987Arg)

Gene: ATM (ATM serine/threonine kinase; plus strand). Cytogenetic location: 11q22.3.
Variant type: single nucleotide variant.
Coding change: c.2959T>C on transcript NM_000051.4 (MANE Select); coding-DNA position 2959, T replaced by C.
Protein change: p.Cys987Arg; replaces cysteine 987 with arginine.
Molecular consequence: missense variant.
Genome position (GRCh38, 1-based): chr11:108,271,288, T>C. VCF-style: chr11-108271288-T-C. GRCh37 (hg19) VCF-style: chr11-108142015-T-C.
Other names: c.2959T>C, p.Cys987Arg (NM_001351834.2); short protein forms C987R.
Identifiers: ClinVar variation 4813434 (VCV004813434.1).
Genomic context (GRCh38, chr11:108,271,288, plus strand): 5'-CTTTTTTTTTTTTTTTACCACAGCAATGTGTGTTCTTTGTATCGTCGTGACCAAGATGTT[T>C]GTAAAACTATTTTAAACCATGTCCTTCATGTAGTGAAAAACCTAGGTCAAAGCAATATGG-3'
Protein context (NP_000042.3, residues 977-997): CSLYRRDQDV[Cys987Arg]KTILNHVLHV

ClinVar aggregate classification (germline): Uncertain significance (1 of 4 stars; one submission).

Conditions:
Familial cancer of breast. Also called: Hereditary breast cancer; BREAST CANCER, FAMILIAL; hereditary breast carcinoma. Identifiers: Orphanet 227535, MedGen C0346153, MONDO:0016419, OMIM 114480. Disease mechanism: loss of function.

gnomAD v4.1: 1 of 1,614,076 alleles (0.000062%); no homozygotes.

Submission:

MVZ Praenatalmedizin und Genetik Nuernberg
Classification: Uncertain significance for Familial cancer of breast. Last evaluated: 2021-07-21. Review status: criteria provided, single submitter. Criteria: ACMG Guidelines, 2015. Collection method: clinical testing. Allele origin: germline.
Comment: This mutation has not yet been described in the ClinVar and FLOSSIES databases. In the gnomAD(v4.1.0) database, this exchange exists in only a single allele. A literature search did not yield any additional information. Computer-assisted predictions (in silico) almost unanimously showed pathogenic results. This is not yet sufficient for classification, but it does raise a certain suspicion of pathogenicity. In summary this is a variant of uncertain clinical significance (VUS).